The following is an entry in ClinVar:

ClinVar aggregate classification (germline): Uncertain significance. Review status: criteria provided, multiple submitters, no conflicts (2 of 4 stars). 3 submissions from 3 submitters: Uncertain significance (3). Last evaluated 2025-03-21.

Conditions:
Klippel-Feil anomaly-myopathy-facial dysmorphism syndrome. Also called: Klippel-Feil syndrome 4, autosomal recessive, with myopathy and facial dysmorphism; Klippel-feil syndrome 4, autosomal recessive, with nemaline myopathy and facial dysmorphism. Identifiers: Orphanet 447974, MedGen C4225285, MONDO:0014689, OMIM 616549.

Allele frequency attached by ClinVar (database versions not stated): gnomAD 0.00003; ExAC 0.00005; 1000 Genomes Project 30x 0.00016; ESP Exome Variant Server 0.00016; 1000 Genomes Project 0.00020.
gnomAD v4.1: 41 of 1,592,170 alleles (0.0026%); highest among the groups gnomAD compares: Middle Eastern, 0.036%; no homozygotes.

Submissions (3):

Revvity Omics, Revvity
Classification: Uncertain significance for Klippel-Feil anomaly-myopathy-facial dysmorphism syndrome. Last evaluated: 2025-03-21. Review status: criteria provided, single submitter. Criteria: ACMG Guidelines, 2015. Collection method: clinical testing. Allele origin: germline.

Labcorp Genetics (formerly Invitae), Labcorp
Classification: Uncertain significance. Last evaluated: 2024-03-04. Review status: criteria provided, single submitter. Criteria: Invitae Variant Classification Sherloc (09022015). Collection method: clinical testing. Allele origin: germline.
Comment: This sequence change replaces arginine, which is basic and polar, with cysteine, which is neutral and slightly polar, at codon 628 of the MYO18B protein (p.Arg628Cys). This variant is present in population databases (rs375323917, gnomAD 0.02%). This variant has not been reported in the literature in individuals affected with MYO18B-related conditions. ClinVar contains an entry for this variant (Variation ID: 2173841). Algorithms developed to predict the effect of missense changes on protein structure and function output the following: SIFT: "Not Available"; PolyPhen-2: "Benign"; Align-GVGD: "Not Available". The cysteine amino acid residue is found in multiple mammalian species, which suggests that this missense change does not adversely affect protein function. In summary, the available evidence is currently insufficient to determine the role of this variant in disease. Therefore, it has been classified as a Variant of Uncertain Significance.

CeGaT Center for Human Genetics Tuebingen
Classification: Uncertain significance. Last evaluated: 2023-11-01. Review status: criteria provided, single submitter. Criteria: CeGaT Center For Human Genetics Tuebingen Variant Classification Criteria Version 2. Collection method: clinical testing. Allele origin: germline. Affected: yes. Observed: 1 variant allele.

NM_032608.7(MYO18B):c.1882C>T (p.Arg628Cys)

Gene: MYO18B (myosin XVIIIB; plus strand). Cytogenetic location: 22q12.1.
Variant type: single nucleotide variant.
Coding change: c.1882C>T on transcript NM_032608.7 (MANE Select); coding-DNA position 1882, C replaced by T.
Protein change: p.Arg628Cys; replaces arginine 628 with cysteine.
Molecular consequence: missense variant.
Genome position (GRCh38, 1-based): chr22:25,777,595, C>T. VCF-style: chr22-25777595-C-T. GRCh37 (hg19) VCF-style: chr22-26173562-C-T.
Other names: c.1882C>T, p.Arg628Cys (NM_001318245.2); short protein forms R628C.
Identifiers: ClinVar variation 2173841 (VCV002173841.27), dbSNP rs375323917, ClinGen allele CA10159995.